The following is an entry in ClinVar:

NM_014991.6(WDFY3):c.10418G>A (p.Arg3473Gln)

Gene: WDFY3 (WD repeat and FYVE domain containing 3; minus strand). Cytogenetic location: 4q21.23.
Variant type: single nucleotide variant.
Coding change: c.10418G>A on transcript NM_014991.6 (MANE Select); coding-DNA position 10418, G replaced by A.
Protein change: p.Arg3473Gln; replaces arginine 3473 with glutamine.
Molecular consequence: missense variant.
Genome position (GRCh38, 1-based): chr4:84,677,238, C>T on the plus strand (G>A on the coding strand, the complement: WDFY3 is on the minus strand). VCF-style: chr4-84677238-C-T. GRCh37 (hg19) VCF-style: chr4-85598391-C-T.
Other names: short protein forms R3473Q.
Identifiers: ClinVar variation 2430325 (VCV002430325.2), dbSNP rs985926243, ClinGen allele CA100712795.

ClinVar aggregate classification (germline): Uncertain significance (1 of 4 stars; one submission).

Allele frequency attached by ClinVar (database versions not stated): gnomAD 0.00001; TOPMed 0.00001.
gnomAD v4.1: 8 of 1,614,100 alleles (0.0005%); highest among the groups gnomAD compares: Admixed American, 0.0017%; no homozygotes.

Submission:

Centre of Medical Genetics, University Hospital Muenster
Classification: Uncertain significance. Last evaluated: 2022-11-30. Review status: criteria provided, single submitter. Criteria: ACMG Guidelines, 2015. Collection method: clinical testing. Allele origin: unknown. Affected: yes. Observed: 1 variant allele, 1 heterozygote.
Comment: ACMG categories: PM2